The following is an entry in ClinVar:

ClinVar aggregate classification (germline): Uncertain significance. Review status: criteria provided, multiple submitters, no conflicts (2 of 4 stars). 2 submissions from 2 submitters: Uncertain significance (2). Last evaluated 2024-11-11.

Allele frequency attached by ClinVar (database versions not stated): TOPMed below 0.00001; gnomAD 0.00001.
gnomAD v4.1: 1 of 1,550,856 alleles (0.000064%); highest among the groups gnomAD compares: African/African-American, 0.0014%; no homozygotes.

Submissions (2):

Labcorp Genetics (formerly Invitae), Labcorp
Classification: Uncertain significance. Last evaluated: 2024-11-11. Review status: criteria provided, single submitter. Criteria: Invitae Variant Classification Sherloc (09022015). Collection method: clinical testing. Allele origin: germline.
Comment: This sequence change replaces aspartic acid, which is acidic and polar, with valine, which is neutral and non-polar, at codon 193 of the DTHD1 protein (p.Asp193Val). This variant is not present in population databases (gnomAD no frequency). This variant has not been reported in the literature in individuals affected with DTHD1-related conditions. ClinVar contains an entry for this variant (Variation ID: 1003937). An algorithm developed to predict the effect of missense changes on protein structure and function (PolyPhen-2) suggests that this variant is likely to be disruptive. In summary, the available evidence is currently insufficient to determine the role of this variant in disease. Therefore, it has been classified as a Variant of Uncertain Significance.

Ambry Genetics
Classification: Uncertain significance. Last evaluated: 2021-08-13. Review status: criteria provided, single submitter. Criteria: Ambry Variant Classification Scheme 2023. Collection method: clinical testing. Allele origin: germline.

NM_001170700.3(DTHD1):c.1448A>T (p.Asp483Val)

Gene: DTHD1 (death domain containing 1; plus strand). Cytogenetic location: 4p14.
Variant type: single nucleotide variant.
Coding change: c.1448A>T on transcript NM_001170700.3 (MANE Select); coding-DNA position 1448, A replaced by T.
Protein change: p.Asp483Val; replaces aspartic acid 483 with valine.
Molecular consequence: missense variant. On other transcripts: non-coding transcript variant (2).
Genome position (GRCh38, 1-based): chr4:36,294,844, A>T. VCF-style: chr4-36294844-A-T. GRCh37 (hg19) VCF-style: chr4-36296466-A-T.
Other names: c.1073A>T (NM_001170700.1); c.578A>T, p.Asp193Val (NM_001136536.5); c.515A>T, p.Asp172Val (NM_001378435.1); short protein forms D172V, D193V, D483V.
Identifiers: ClinVar variation 1003937 (VCV001003937.9), dbSNP rs1006425300, ClinGen allele CA95771835.
Genomic context (GRCh38, chr4:36,294,844, plus strand): 5'-TTTTTGTTTAGATCCAACCAGTTGACCCAGCTCTGGTGGCACATTTAAAAGCACAGCAAG[A>T]TACTTTCTACTCAGTCCAATCCACAAGCCCTCTGATTCACATTCAGCACCCATCAACTTA-3'
Protein context (NP_001164171.2, residues 473-493): ALVAHLKAQQ[Asp483Val]TFYSVQSTSP